The following is an entry in ClinVar:

ClinVar aggregate classification (germline): Uncertain significance (1 of 4 stars; one submission).

Submission:

GeneDx
Classification: Uncertain significance. Last evaluated: 2025-06-07. Review status: criteria provided, single submitter. Criteria: GeneDx Variant Classification Process June 2021. Collection method: clinical testing. Allele origin: germline. Affected: yes.
Comment: Not observed at significant frequency in large population cohorts (gnomAD); In-frame deletion of 6 amino acids in a non-repeat region; In silico analysis supports a deleterious effect on protein structure/function; Has not been previously published as pathogenic or benign to our knowledge

NM_015072.5(TTLL5):c.3498_3517delinsAG (p.Ser1169_Gln1174del)

Gene: TTLL5 (tubulin tyrosine ligase like 5; plus strand). Cytogenetic location: 14q24.3.
Variant type: Indel.
Coding change: c.3498_3517delinsAG on transcript NM_015072.5 (MANE Select); coding-DNA positions 3498 to 3517, GGACCAGAGTCGAGCCCGGC replaced by AG.
Protein change: p.Ser1169_Gln1174del.
Genome position (GRCh38, 1-based): chr14:75,863,838-75,863,857, GGACCAGAGTCGAGCCCGGC replaced by AG. VCF-style: chr14-75863838-GGACCAGAGTCGAGCCCGGC-AG. GRCh37 (hg19) VCF-style: chr14-76330181-GGACCAGAGTCGAGCCCGGC-AG.
Identifiers: ClinVar variation 4537585 (VCV004537585.1).